The following is an entry in ClinVar:

ClinVar aggregate classification (germline): Uncertain significance (1 of 4 stars; one submission).

Conditions:
Hereditary cancer-predisposing syndrome. Also called: Neoplastic Syndromes, Hereditary; Hereditary neoplastic syndrome; Tumor predisposition; Hereditary Cancer Syndrome. Identifiers: Orphanet 140162, MedGen C0027672, MeSH D009386, MONDO:0015356.

Submission:

Ambry Genetics
Classification: Uncertain significance for Hereditary cancer-predisposing syndrome. Last evaluated: 2023-02-27. Review status: criteria provided, single submitter. Criteria: Ambry Variant Classification Scheme 2023. Collection method: clinical testing. Allele origin: germline.
Comment: The p.E1406G variant (also known as c.4217A>G), located in coding exon 27 of the ATM gene, results from an A to G substitution at nucleotide position 4217. The glutamic acid at codon 1406 is replaced by glycine, an amino acid with similar properties. This amino acid position is conserved. In addition, this alteration is predicted to be tolerated by in silico analysis. Since supporting evidence is limited at this time, the clinical significance of this alteration remains unclear.

NM_000051.4(ATM):c.4217A>G (p.Glu1406Gly)

Gene: ATM (ATM serine/threonine kinase; plus strand). Cytogenetic location: 11q22.3.
Variant type: single nucleotide variant.
Coding change: c.4217A>G on transcript NM_000051.4 (MANE Select); coding-DNA position 4217, A replaced by G.
Protein change: p.Glu1406Gly; replaces glutamic acid 1406 with glycine.
Molecular consequence: missense variant.
Genome position (GRCh38, 1-based): chr11:108,289,084, A>G. VCF-style: chr11-108289084-A-G. GRCh37 (hg19) VCF-style: chr11-108159811-A-G.
Other names: c.4217A>G, p.Glu1406Gly (NM_001351834.2); short protein forms E1406G.
Identifiers: ClinVar variation 2496720 (VCV002496720.2), dbSNP rs2546904905, ClinGen allele CA382530552.
Genomic context (GRCh38, chr11:108,289,084, plus strand): 5'-TTAAAGCAACATTTGCCTATATCAGCAATTGTCATAAAACCAAGTTAAAAAGCATTTTAG[A>G]AATTCTTTCCAAAAGCCCTGTAAGTATACATGATGAGTTTAATAATAGAACATTCCTTCT-3'
Protein context (NP_000042.3, residues 1396-1416): CHKTKLKSIL[Glu1406Gly]ILSKSPDSYQ